The following is an entry in ClinVar:

ClinVar aggregate classification (germline): Pathogenic (1 of 4 stars; one submission).

Conditions:
Vici syndrome (VICIS). Identifiers: Orphanet 1493, MedGen C1855772, MONDO:0009452, OMIM 242840.

Submission:

Labcorp Genetics (formerly Invitae), Labcorp
Classification: Pathogenic for Vici syndrome. Last evaluated: 2023-03-02. Review status: criteria provided, single submitter. Criteria: Invitae Variant Classification Sherloc (09022015). Collection method: clinical testing. Allele origin: germline.
Comment: For these reasons, this variant has been classified as Pathogenic. This variant has not been reported in the literature in individuals affected with EPG5-related conditions. This variant is not present in population databases (gnomAD no frequency). This sequence change creates a premature translational stop signal (p.Leu2126*) in the EPG5 gene. It is expected to result in an absent or disrupted protein product. Loss-of-function variants in EPG5 are known to be pathogenic (PMID: 23222957, 23674064).

Literature cited by the submitters: PubMed 23222957; PubMed 23674064.

NM_020964.3(EPG5):c.6377T>G (p.Leu2126Ter)

Gene: EPG5 (ectopic P-granules 5 autophagy tethering factor; minus strand). Cytogenetic location: 18q12.3.
Variant type: single nucleotide variant.
Coding change: c.6377T>G on transcript NM_020964.3 (MANE Select); coding-DNA position 6377, T replaced by G.
Protein change: p.Leu2126Ter; replaces leucine 2126 with a stop codon.
Molecular consequence: nonsense.
Genome position (GRCh38, 1-based): chr18:45,867,597, A>C on the plus strand (T>G on the coding strand, the complement: EPG5 is on the minus strand). VCF-style: chr18-45867597-A-C. GRCh37 (hg19) VCF-style: chr18-43447562-A-C.
Other names: c.6377T>G, p.Leu2126Ter (NM_001410858.1); c.6374T>G, p.Leu2125Ter (NM_001410859.1); short protein forms L2125*, L2126*.
Identifiers: ClinVar variation 2842157 (VCV002842157.3), dbSNP rs2511491486, ClinGen allele CA402339515.
Genomic context (GRCh38, chr18:45,867,597, plus strand): 5'-TTTTGCCATAAGCTTCCCAAACTTACTGTTTGGTCTACCAGTTGAACTTCCTTTGCCAAT[A>C]AAATCATCATGAAAAGGAGGCAGACAATCATGCTGCGGGTTTCTGGGTGGGGACTGGAAT-3'